The following is an entry in ClinVar:

NM_006517.5(SLC16A2):c.1026+1G>A

Gene: SLC16A2 (solute carrier family 16 member 2; plus strand). Cytogenetic location: Xq13.2.
Variant type: single nucleotide variant.
Coding change: c.1026+1G>A on transcript NM_006517.5 (MANE Select); the canonical splice donor site of the intron after coding-DNA position 1026, G replaced by A.
Molecular consequence: splice donor variant.
Genome position (GRCh38, 1-based): chrX:74,524,810, G>A. VCF-style: chrX-74524810-G-A. GRCh37 (hg19) VCF-style: chrX-73744645-G-A.
Identifiers: ClinVar variation 4082237 (VCV004082237.1).
Genomic context (GRCh38, chrX:74,524,810, plus strand): 5'-ATCTGGGCCTTCGGAATTGCTGCTGCTGCCCTTGGCTACTTTGTTCCCTATGTACACCTG[G>A]TGAGGAATACCAGAGTGGGCCCACCCCACCTGGCCCCAAGAAGCTACCCTCAACCTGCCT-3'

ClinVar aggregate classification (germline): Pathogenic (1 of 4 stars; one submission).

Conditions:
Allan-Herndon-Dudley syndrome (AHDS). Also called: ALLAN-HERNDON SYNDROME; MENTAL RETARDATION AND MUSCULAR ATROPHY; T3 RESISTANCE; TRIIODOTHYRONINE RESISTANCE; Passos-Bueno syndrome. Identifiers: Orphanet 59, MedGen C0795889, MONDO:0010354, OMIM 300523.

Submission:

Department of Neurology, Shanghai Children’s Hospital, Shanghai Jiao Tong University School
Classification: Pathogenic for Allan-Herndon-Dudley syndrome. Last evaluated: 2019-09-03. Review status: criteria provided, single submitter. Criteria: ACMG Guidelines, 2015. Collection method: clinical testing. Allele origin: de novo. Affected: yes. Observed: 1 hemizygote. Segregation with disease not observed.
Comment: De novo mutation at a canonical splice site (c.1026+1G>A). Absent from population databases (ExAC, ESP, 1000G). Classified according to ACMG guidelines.